The following is an entry in ClinVar:

ClinVar aggregate classification (germline): Pathogenic. Review status: criteria provided, multiple submitters, no conflicts (2 of 4 stars). 2 submissions from 2 submitters: Pathogenic (2). Last evaluated 2023-08-09.

Conditions:
Hereditary cancer-predisposing syndrome. Also called: Neoplastic Syndromes, Hereditary; Tumor predisposition; Hereditary Cancer Syndrome; Hereditary neoplastic syndrome. Identifiers: Orphanet 140162, MedGen C0027672, MeSH D009386, MONDO:0015356.
Familial cancer of breast. Also called: BREAST CANCER, FAMILIAL; Hereditary breast cancer; hereditary breast carcinoma. Identifiers: Orphanet 227535, MedGen C0346153, MONDO:0016419, OMIM 114480. Disease mechanism: loss of function.

Submissions (2):

Myriad Genetics, Inc.
Classification: Pathogenic for Familial cancer of breast. Last evaluated: 2023-08-09. Review status: criteria provided, single submitter. Criteria: Myriad Autosomal Dominant, Autosomal Recessive and X-Linked Classification Criteria (2023). Collection method: clinical testing. Allele origin: unknown.
Comment: This variant is considered pathogenic. This variant creates a frameshift predicted to result in premature protein truncation.

Color Diagnostics, LLC DBA Color Health
Classification: Pathogenic for Hereditary cancer-predisposing syndrome. Last evaluated: 2020-01-15. Review status: criteria provided, single submitter. Criteria: ACMG Guidelines, 2015. Collection method: clinical testing. Allele origin: germline.
Comment: This variant deletes 1 nucleotide in exon 4 of the BARD1 gene, creating a frameshift and premature translation stop signal. This variant is expected to result in an absent or non-functional protein product. This variant has not been identified in the general population by the Genome Aggregation Database (gnomAD). Loss of BARD1 function is a known mechanism of disease. Based on the available evidence, this variant is classified as Pathogenic.

NM_000465.4(BARD1):c.1210del (p.Tyr404fs)

Gene: BARD1 (BRCA1 associated RING domain 1; minus strand). Cytogenetic location: 2q35.
Variant type: Deletion.
Coding change: c.1210del on transcript NM_000465.4 (MANE Select); coding-DNA position 1210, one base deleted (T; older notation c.1210delT).
Protein change: p.Tyr404fs; shifts the reading frame from tyrosine 404.
Molecular consequence: frameshift variant. On other transcripts: non-coding transcript variant (2), intron variant (3).
Genome position (GRCh38, 1-based): chr2:214,780,664, A deleted on the plus strand (T on the coding strand, the reverse complement: BARD1 is on the minus strand); the first of 2 consecutive A bases (chr2:214,780,664-214,780,665); deleting either gives the same sequence. VCF-style (leftmost placement, unchanged base first): chr2-214780663-TA-T. GRCh37 (hg19) VCF-style: chr2-215645387-TA-T.
Other names: c.1153del, p.Tyr385fs (NM_001282543.2); c.159-28109del (NM_001282548.2); c.215+16397del (NM_001282545.2); c.364+11633del (NM_001282549.2); short protein forms Y385fs, Y404fs.
Identifiers: ClinVar variation 925340 (VCV000925340.4), dbSNP rs1694947319, ClinGen allele CA913188284.
Genomic context (GRCh38, chr2:214,780,663, plus strand): 5'-CTTTTCACAGCCATATTGGGCAACAGCTTCATTGCTGAGGGACTAGACATCACTCGCCTG[TA>T]ACTTGAACTACTTAATGTAGAAGGTGGTGTACCTGGTGAAAGACTAATGAATTCATCGGA-3'